The following is an entry in ClinVar:

ClinVar aggregate classification (germline): Benign/Likely benign. Review status: criteria provided, multiple submitters, no conflicts (2 of 4 stars). 3 submissions from 2 submitters: Benign (2); Likely benign (1). Last evaluated 2021-05-22.

Conditions:
Charcot-Marie-Tooth disease type 4C (CMT4C). Also called: CHARCOT-MARIE-TOOTH DISEASE, DEMYELINATING, AUTOSOMAL RECESSIVE, TYPE 4C; CMT 4C; Charcot-Marie-Tooth Neuropathy Type 4C (CMT4C); CHARCOT-MARIE-TOOTH DISEASE, DEMYELINATING, TYPE 4C; SH3TC2-Related Hereditary Motor and Sensory Neuropathy. Identifiers: Orphanet 99949, MedGen C1866636, MONDO:0011113, OMIM 601596.
Susceptibility to mononeuropathy of the median nerve, mild. Also called: CARPAL TUNNEL SYNDROME, SUSCEPTIBILITY TO. Identifiers: MedGen C3150596, MONDO:0013237, OMIM 613353.

Allele frequency attached by ClinVar (database versions not stated): 1000 Genomes Project 0.00958; gnomAD 0.00962 and 0.01038; 1000 Genomes Project 30x 0.01077; TOPMed 0.01130.
gnomAD v4.1: 1,447 of 152,154 alleles (0.95%); highest among the groups gnomAD compares: African/African-American, 3.3%; 13 homozygotes.

Submissions (3):

GeneDx
Classification: Likely benign. Last evaluated: 2021-05-22. Review status: criteria provided, single submitter. Criteria: GeneDx Variant Classification Process June 2021. Collection method: clinical testing. Allele origin: germline. Affected: yes.

Illumina Laboratory Services, Illumina
Classification: Benign for Susceptibility to mononeuropathy of the median nerve, mild. Last evaluated: 2018-01-13. Review status: criteria provided, single submitter. Criteria: ICSL Variant Classification Criteria 13 December 2019. Collection method: clinical testing. Allele origin: germline.
Comment: This variant was observed in the ICSL laboratory as part of a predisposition screen in an ostensibly healthy population. It had not been previously curated by ICSL or reported in the Human Gene Mutation Database (HGMD: prior to June 1st, 2018), and was therefore a candidate for classification through an automated scoring system. Utilizing variant allele frequency, disease prevalence and penetrance estimates, and inheritance mode, an automated score was calculated to assess if this variant is too frequent to cause the disease. Based on the score and internal cut-off values, a variant classified as benign is not then subjected to further curation. The score for this variant resulted in a classification of benign for this disease.

Illumina Laboratory Services, Illumina
Classification: Benign for Charcot-Marie-Tooth disease type 4C. Last evaluated: 2018-01-13. Review status: criteria provided, single submitter. Criteria: ICSL Variant Classification Criteria 13 December 2019. Collection method: clinical testing. Allele origin: germline.
Comment: the same text as in the submission from Illumina Laboratory Services, Illumina above.

NM_024577.4(SH3TC2):c.*14894G>A

Gene: SH3TC2 (SH3 domain and tetratricopeptide repeats 2; minus strand). Cytogenetic location: 5q32.
Variant type: single nucleotide variant.
Coding change: c.*14894G>A on transcript NM_024577.4 (MANE Select); 14894 bases downstream of the stop codon, G replaced by A.
Molecular consequence: 3 prime UTR variant.
Genome position (GRCh38, 1-based): chr5:148,989,817, C>T on the plus strand (G>A on the coding strand, the complement: SH3TC2 is on the minus strand). VCF-style: chr5-148989817-C-T. GRCh37 (hg19) VCF-style: chr5-148369380-C-T.
Identifiers: ClinVar variation 351657 (VCV000351657.6), dbSNP rs17109192, ClinGen allele CA10620595.